The following is an entry in ClinVar:

ClinVar aggregate classification (germline): Uncertain significance (1 of 4 stars; one submission).

Conditions:
Hereditary cancer-predisposing syndrome. Also called: Neoplastic Syndromes, Hereditary; Tumor predisposition; Hereditary Cancer Syndrome; Hereditary neoplastic syndrome. Identifiers: Orphanet 140162, MedGen C0027672, MeSH D009386, MONDO:0015356.

Submission:

Ambry Genetics
Classification: Uncertain significance for Hereditary cancer-predisposing syndrome. Last evaluated: 2026-02-09. Review status: criteria provided, single submitter. Criteria: Ambry Variant Classification Scheme 2023. Collection method: clinical testing. Allele origin: germline.
Comment: The p.A43V variant (also known as c.128C>T), located in coding exon 1 of the PTCH1 gene, results from a C to T substitution at nucleotide position 128. The alanine at codon 43 is replaced by valine, an amino acid with similar properties. This amino acid position is highly conserved in available vertebrate species. In addition, this alteration is predicted to be tolerated by in silico analysis. Based on the available evidence, the clinical significance of this variant remains unclear.

NM_000264.5(PTCH1):c.128C>T (p.Ala43Val)

Genes: PTCH1 (patched 1; minus strand), LOC130002133 (ATAC-STARR-seq lymphoblastoid silent region 20071; plus strand). Cytogenetic location: 9q22.32.
Variant type: single nucleotide variant.
Coding change: c.128C>T on transcript NM_000264.5 (MANE Select); coding-DNA position 128, C replaced by T.
Protein change: p.Ala43Val; replaces alanine 43 with valine.
Molecular consequence: missense variant. On other transcripts: non-coding transcript variant (1), intron variant (3).
Genome position (GRCh38, 1-based): chr9:95,508,234, G>A on the plus strand (C>T on the coding strand, the complement: PTCH1 is on the minus strand). VCF-style: chr9-95508234-G-A. GRCh37 (hg19) VCF-style: chr9-98270516-G-A.
Other names: c.128C>T, p.Ala43Val (NM_001354918.2); c.199-1635C>T (NM_001083603.3); c.4-1635C>T (NM_001083602.3, NM_001354919.2); short protein forms A43V.
Identifiers: ClinVar variation 4845076 (VCV004845076.1).